The following is an entry in ClinVar:

NM_016204.4(GDF2):c.740G>C (p.Gly247Ala)

Gene: GDF2 (growth differentiation factor 2; plus strand). Cytogenetic location: 10q11.22.
Variant type: single nucleotide variant.
Coding change: c.740G>C on transcript NM_016204.4 (MANE Select); coding-DNA position 740, G replaced by C.
Protein change: p.Gly247Ala; replaces glycine 247 with alanine.
Molecular consequence: missense variant.
Genome position (GRCh38, 1-based): chr10:47,325,234, G>C. VCF-style: chr10-47325234-G-C. GRCh37 (hg19) VCF-style: chr10-48414128-C-G.
Other names: c.740G>C (NM_016204.1, NM_016204.3); short protein forms G247A.
Identifiers: ClinVar variation 1330724 (VCV001330724.17), dbSNP rs369219783, ClinGen allele CA5488036.
Genomic context (GRCh38, chr10:47,325,234, plus strand): 5'-AAGTGACTGTGGAGAGCCACAGGAAGGGCTGCGACACGCTGGACATCAGTGTCCCCCCAG[G>C]TTCCAGAAACCTGCCCTTCTTTGTTGTCTTCTCCAATGACCACAGCAGTGGGACCAAGGA-3'
Protein context (NP_057288.1, residues 237-257): CDTLDISVPP[Gly247Ala]SRNLPFFVVF

ClinVar aggregate classification (germline): Likely benign. Review status: criteria provided, multiple submitters, no conflicts (2 of 4 stars). 4 submissions from 4 submitters: Likely benign (3). 1 of the submissions does not count toward it. Last evaluated 2026-02-14.

Conditions:
GDF2-related disorder. Also called: GDF2-related condition.
Telangiectasia, hereditary hemorrhagic, type 5 (HHT5). Identifiers: Orphanet 774, MedGen C3809710, MONDO:0014217, OMIM 615506.
Cardiovascular phenotype. Identifiers: MedGen CN230736.

Allele frequency attached by ClinVar (database versions not stated): 1000 Genomes Project 30x 0.00016; ExAC 0.00018; 1000 Genomes Project 0.00020.

Submissions (4):

Ambry Genetics
Classification: Likely benign for Cardiovascular phenotype. Last evaluated: 2026-02-14. Review status: criteria provided, single submitter. Criteria: Ambry Variant Classification Scheme 2023. Collection method: clinical testing. Allele origin: germline.

Labcorp Genetics (formerly Invitae), Labcorp
Classification: Likely benign for Telangiectasia, hereditary hemorrhagic, type 5. Last evaluated: 2023-04-03. Review status: criteria provided, single submitter. Criteria: Invitae Variant Classification Sherloc (09022015). Collection method: clinical testing. Allele origin: germline.

ARUP Laboratories, Molecular Genetics and Genomics, ARUP Laboratories
Classification: Likely benign for Telangiectasia, hereditary hemorrhagic, type 5. Last evaluated: 2021-03-02. Review status: criteria provided, single submitter. Criteria: ARUP Molecular Germline Variant Investigation Process 2021. Collection method: clinical testing. Allele origin: germline.

PreventionGenetics, part of Exact Sciences
Classification: Likely benign for GDF2-related condition. Last evaluated: 2019-08-09. Review status: no assertion criteria provided. Collection method: clinical testing. Allele origin: germline. Not counted in ClinVar's aggregate classification.
Comment: This variant is classified as likely benign based on ACMG/AMP sequence variant interpretation guidelines (Richards et al. 2015 PMID: 25741868, with internal and published modifications).